The following is an entry in ClinVar:

ClinVar aggregate classification (germline): Uncertain significance (1 of 4 stars; one submission).

Conditions:
Rauch-Steindl syndrome (RAUST). Identifiers: Orphanet 659642, MedGen C5562061, MONDO:0859219, OMIM 619695.

Submission:

Pittsburgh Clinical Genomics Laboratory, University of Pittsburgh Medical Center
Classification: Uncertain significance for Rauch-Steindl syndrome. Last evaluated: 2023-02-23. Review status: criteria provided, single submitter. Criteria: ACMG Guidelines, 2015. Collection method: clinical testing. Allele origin: germline. Inheritance: Autosomal dominant inheritance. Affected: yes.
Comment: This sequence variant is a single nucleotide substitution (C>T) at coding position 2350 of the NSD2 gene that results in a arginine to tryptophan amino acid change at residue 784 of the NSD2 protein. This variant has not been previously reported in databases of clinically relevant variants (ClinVar) or observed in the literature in individuals with NSD2-related illness, to our knowledge. Additiolly, this variant is absent from the gnomAD population database (0 of approximately 250,000 alleles). Bioinformatic tools predict that this variant would be damaging, and the Arg784 residue is highly conserved across the vertebrate species examined. Functiol studies testing the effect of this variant on protein structure or activity have not been performed, to our knowledge. At this time, there is insufficient evidence to determine if this variant is pathogenic or benign. Therefore, we consider this to be a variant of uncertain significance. ACMG Criteria: PM2, PP3

NM_001042424.3(NSD2):c.2350C>T (p.Arg784Trp)

Gene: NSD2 (nuclear receptor binding SET domain protein 2; plus strand). Cytogenetic location: 4p16.3.
Variant type: single nucleotide variant.
Coding change: c.2350C>T on transcript NM_001042424.3 (MANE Select); coding-DNA position 2350, C replaced by T.
Protein change: p.Arg784Trp; replaces arginine 784 with tryptophan.
Molecular consequence: missense variant.
Genome position (GRCh38, 1-based): chr4:1,955,172, C>T. VCF-style: chr4-1955172-C-T. GRCh37 (hg19) VCF-style: chr4-1956899-C-T.
Other names: c.2350C>T, p.Arg784Trp (NM_133330.3, NM_133331.3, NM_133335.4); short protein forms R784W.
Identifiers: ClinVar variation 3376179 (VCV003376179.1).